The following is an entry in ClinVar:

ClinVar aggregate classification (germline): Conflicting classifications of pathogenicity. Review status: criteria provided, conflicting classifications (1 of 4 stars). 4 submissions from 4 submitters: Uncertain significance (3); Likely benign (1). Last evaluated 2025-09-22.

Conditions:
Hereditary cancer-predisposing syndrome. Also called: Tumor predisposition; Hereditary Cancer Syndrome; Neoplastic Syndromes, Hereditary; Hereditary neoplastic syndrome. Identifiers: Orphanet 140162, MedGen C0027672, MeSH D009386, MONDO:0015356.
Hereditary breast ovarian cancer syndrome. Also called: Hereditary breast and ovarian cancer; Breast and ovarian cancer; Hereditary breast and/or ovarian cancer syndrome; Hereditary breast and ovarian cancer syndrome; BRCA1- and BRCA2-Associated Hereditary Breast and Ovarian Cancer; Hereditary breast and ovarian cancer syndrome (HBOC). Identifiers: Orphanet 145, MedGen C0677776, MeSH D061325, MONDO:0003582. Disease mechanism: loss of function.

Submissions (4):

Color Diagnostics, LLC DBA Color Health
Classification: Uncertain significance for Hereditary cancer-predisposing syndrome. Last evaluated: 2025-09-22. Review status: criteria provided, single submitter. Criteria: ACMG Guidelines, 2015. Collection method: clinical testing. Allele origin: germline.
Comment: This missense variant replaces cysteine with tyrosine at codon 903 of the BRCA1 protein. Computational prediction suggests that this variant may not impact protein structure and function. To our knowledge, functional studies have not been reported for this variant. This variant has not been reported in individuals affected with BRCA1-related disorders in the literature. This variant has not been identified in the general population by the Genome Aggregation Database (gnomAD). The available evidence is insufficient to determine the role of this variant in disease conclusively. Therefore, this variant is classified as a Variant of Uncertain Significance.

Labcorp Genetics (formerly Invitae), Labcorp
Classification: Uncertain significance for Hereditary breast ovarian cancer syndrome. Last evaluated: 2024-04-22. Review status: criteria provided, single submitter. Criteria: Invitae Variant Classification Sherloc (09022015). Collection method: clinical testing. Allele origin: germline.
Comment: This sequence change replaces cysteine, which is neutral and slightly polar, with tyrosine, which is neutral and polar, at codon 903 of the BRCA1 protein (p.Cys903Tyr). This variant is not present in population databases (gnomAD no frequency). This variant has not been reported in the literature in individuals affected with BRCA1-related conditions. ClinVar contains an entry for this variant (Variation ID: 821642). Advanced modeling of protein sequence and biophysical properties (such as structural, functional, and spatial information, amino acid conservation, physicochemical variation, residue mobility, and thermodynamic stability) performed at Invitae indicates that this missense variant is not expected to disrupt BRCA1 protein function with a negative predictive value of 95%. In summary, the available evidence is currently insufficient to determine the role of this variant in disease. Therefore, it has been classified as a Variant of Uncertain Significance.

University of Washington Department of Laboratory Medicine, University of Washington
Classification: Likely benign for Hereditary cancer-predisposing syndrome. Last evaluated: 2023-03-23. Review status: criteria provided, single submitter. Criteria: Dines et al. (Genet Med. 2020). Collection method: curation. Allele origin: germline.
Comment: Missense variant in a coldspot region where missense variants are very unlikely to be pathogenic (PMID:31911673).

BRCA1 coldspot (exon 11 using historical exon numbering). Reclassification based on statistical prior probability

Ambry Genetics
Classification: Uncertain significance for Hereditary cancer-predisposing syndrome. Last evaluated: 2019-09-24. Review status: criteria provided, single submitter. Criteria: Ambry Variant Classification Scheme 2023. Collection method: clinical testing. Allele origin: germline.
Comment: The p.C903Y variant (also known as c.2708G>A), located in coding exon 9 of the BRCA1 gene, results from a G to A substitution at nucleotide position 2708. The cysteine at codon 903 is replaced by tyrosine, an amino acid with highly dissimilar properties. This amino acid position is not well conserved in available vertebrate species. In addition, this alteration is predicted to be tolerated by in silico analysis. Since supporting evidence is limited at this time, the clinical significance of this alteration remains unclear.

NM_007294.4(BRCA1):c.2708G>A (p.Cys903Tyr)

Gene: BRCA1 (BRCA1 DNA repair associated; minus strand). Cytogenetic location: 17q21.31.
Variant type: single nucleotide variant.
Coding change: c.2708G>A on transcript NM_007294.4 (MANE Select); coding-DNA position 2708, G replaced by A.
Protein change: p.Cys903Tyr; replaces cysteine 903 with tyrosine.
Molecular consequence: missense variant. On other transcripts: intron variant (137).
Genome position (GRCh38, 1-based): chr17:43,092,823, C>T on the plus strand (G>A on the coding strand, the complement: BRCA1 is on the minus strand). VCF-style: chr17-43092823-C-T. GRCh37 (hg19) VCF-style: chr17-41244840-C-T.
Other names: c.2708G>A, p.Cys903Tyr (NM_001407640.1, NM_001407641.1, NM_001407642.1 and 30 more transcripts); c.644-1791G>A (NM_001408470.1, NM_001408464.1, NM_001408468.1 and 3 more transcripts); c.647-1791G>A (NM_001408469.1, NM_001408453.1, NM_001408461.1 and 11 more transcripts); c.788-1791G>A (NM_001407980.1, NM_001407976.1, NM_001407993.1 and 17 more transcripts); c.785-1791G>A (NM_001408397.1, NM_001408401.1, NM_001408396.1 and 13 more transcripts); c.2699G>A, p.Cys900Tyr (NM_001407646.1, NM_001407647.1); c.2630G>A, p.Cys877Tyr (NM_001407653.1, NM_001407654.1, NM_001407655.1 and 4 more transcripts); c.2585G>A, p.Cys862Tyr (NM_001407648.1, NM_001407664.1, NM_001407665.1 and 19 more transcripts); and 41 more; short protein forms C903Y, C856Y, C815Y, C832Y, C833Y, C855Y, C877Y, C900Y.
Identifiers: ClinVar variation 821642 (VCV000821642.14), dbSNP rs1597868170, ClinGen allele CA10596582.